The following is an entry in ClinVar:

ClinVar aggregate classification (germline): Uncertain significance (1 of 4 stars; one submission).

Conditions:
Duchenne muscular dystrophy (DMD). Also called: MUSCULAR DYSTROPHY, PSEUDOHYPERTROPHIC PROGRESSIVE, DUCHENNE TYPE; Duchenne Muscular Dystrophy (DMD). Identifiers: Orphanet 98896, MedGen C0013264, MONDO:0010679, OMIM 310200.

gnomAD v4.1: 1 of 1,211,744 alleles (0.000083%); highest among the groups gnomAD compares: East Asian, 0.003%; no homozygotes.

Submission:

Labcorp Genetics (formerly Invitae), Labcorp
Classification: Uncertain significance for Duchenne muscular dystrophy. Last evaluated: 2024-10-06. Review status: criteria provided, single submitter. Criteria: Invitae Variant Classification Sherloc (09022015). Collection method: clinical testing. Allele origin: germline.
Comment: This sequence change replaces isoleucine, which is neutral and non-polar, with valine, which is neutral and non-polar, at codon 2796 of the DMD protein (p.Ile2796Val). This variant is not present in population databases (gnomAD no frequency). This variant has not been reported in the literature in individuals affected with DMD-related conditions. Invitae Evidence Modeling of protein sequence and biophysical properties (such as structural, functional, and spatial information, amino acid conservation, physicochemical variation, residue mobility, and thermodynamic stability) indicates that this missense variant is not expected to disrupt DMD protein function with a negative predictive value of 95%. In summary, the available evidence is currently insufficient to determine the role of this variant in disease. Therefore, it has been classified as a Variant of Uncertain Significance.

NM_004006.3(DMD):c.8386A>G (p.Ile2796Val)

Gene: DMD (dystrophin; minus strand). Cytogenetic location: Xp21.1.
Variant type: single nucleotide variant.
Coding change: c.8386A>G on transcript NM_004006.3 (MANE Select); coding-DNA position 8386, A replaced by G.
Protein change: p.Ile2796Val; replaces isoleucine 2796 with valine.
Molecular consequence: missense variant.
Genome position (GRCh38, 1-based): chrX:31,507,285, T>C on the plus strand (A>G on the coding strand, the complement: DMD is on the minus strand). VCF-style: chrX-31507285-T-C. GRCh37 (hg19) VCF-style: chrX-31525402-T-C.
Other names: c.8362A>G, p.Ile2788Val (NM_000109.4); c.8374A>G, p.Ile2792Val (NM_004009.3); c.8017A>G, p.Ile2673Val (NM_004010.3); c.4363A>G, p.Ile1455Val (NM_004011.4); c.4354A>G, p.Ile1452Val (NM_004012.4); c.1006A>G, p.Ile336Val (NM_004013.3, NM_004020.4, NM_004021.3 and 2 more transcripts); c.199A>G, p.Ile67Val (NM_004014.3); short protein forms I1455V, I1452V, I2673V, I2788V, I2792V, I2796V, I336V, I67V.
Identifiers: ClinVar variation 3667616 (VCV003667616.2).
Genomic context (GRCh38, chrX:31,507,285, plus strand): 5'-GAAAATTTGGCCATTTTAATTCATTTGTGGCCTTTTTGCTCCACATCTTTTCCTACCTAA[T>C]GTTGAGAGACTTTTTCCGAAGTTCACTCCACTTGAAGTTCATGTTATCCAAACGTCTTTG-3'
Protein context (NP_003997.2, residues 2786-2806): WSELRKKSLN[Ile2796Val]RSHLEASSDQ